The following is an entry in ClinVar:

ClinVar aggregate classification (germline): Uncertain significance. Review status: criteria provided, multiple submitters, no conflicts (2 of 4 stars). 2 submissions from 2 submitters: Uncertain significance (2). Last evaluated 2026-08-27.

Conditions:
Tuberous sclerosis 1 (TSC1). Identifiers: Orphanet 805, MedGen C1854465, MONDO:0008612, OMIM 191100.
Hereditary cancer-predisposing syndrome. Also called: Tumor predisposition; Hereditary Cancer Syndrome; Hereditary neoplastic syndrome; Neoplastic Syndromes, Hereditary. Identifiers: Orphanet 140162, MedGen C0027672, MeSH D009386, MONDO:0015356.

Submissions (2):

Ambry Genetics
Classification: Uncertain significance for Hereditary cancer-predisposing syndrome. Last evaluated: 2026-08-27. Review status: criteria provided, single submitter. Criteria: Ambry Variant Classification Scheme 2023. Collection method: clinical testing. Allele origin: germline.
Comment: The p.K666E variant (also known as c.1996A>G), located in coding exon 13 of the TSC1 gene, results from an A to G substitution at nucleotide position 1996. The lysine at codon 666 is replaced by glutamic acid, an amino acid with similar properties. This amino acid position is conserved. In addition, this alteration is predicted to be tolerated by in silico analysis. Based on the available evidence, the clinical significance of this variant remains unclear.

Labcorp Genetics (formerly Invitae), Labcorp
Classification: Uncertain significance for Tuberous sclerosis 1. Last evaluated: 2020-08-21. Review status: criteria provided, single submitter. Criteria: Invitae Variant Classification Sherloc (09022015). Collection method: clinical testing. Allele origin: germline.
Comment: This sequence change replaces lysine with glutamic acid at codon 666 of the TSC1 protein (p.Lys666Glu). The lysine residue is weakly conserved and there is a small physicochemical difference between lysine and glutamic acid. This variant is not present in population databases (ExAC no frequency). This variant has not been reported in the literature in individuals with TSC1-related conditions. Algorithms developed to predict the effect of missense changes on protein structure and function are either unavailable or do not agree on the potential impact of this missense change (SIFT: "Deleterious"; PolyPhen-2: "Benign"; Align-GVGD: "Class C0"). In summary, the available evidence is currently insufficient to determine the role of this variant in disease. Therefore, it has been classified as a Variant of Uncertain Significance.

NM_000368.5(TSC1):c.1996A>G (p.Lys666Glu)

Gene: TSC1 (TSC complex subunit 1; minus strand). Cytogenetic location: 9q34.13.
Variant type: single nucleotide variant.
Coding change: c.1996A>G on transcript NM_000368.5 (MANE Select); coding-DNA position 1996, A replaced by G.
Protein change: p.Lys666Glu; replaces lysine 666 with glutamic acid.
Molecular consequence: missense variant.
Genome position (GRCh38, 1-based): chr9:132,905,582, T>C on the plus strand (A>G on the coding strand, the complement: TSC1 is on the minus strand). VCF-style: chr9-132905582-T-C. GRCh37 (hg19) VCF-style: chr9-135780969-T-C.
Other names: c.1993A>G, p.Lys665Glu (NM_001162426.2); c.1843A>G, p.Lys615Glu (NM_001162427.2); c.1633A>G, p.Lys545Glu (NM_001362177.2); c.1996A>G (NM_000368.4); short protein forms K545E, K615E, K665E, K666E.
Identifiers: ClinVar variation 999443 (VCV000999443.9), dbSNP rs1845604585, ClinGen allele CA375362216.